The following is an entry in ClinVar:

ClinVar aggregate classification (germline): Uncertain significance (1 of 4 stars; one submission).

Submission:

Labcorp Genetics (formerly Invitae), Labcorp
Classification: Uncertain significance. Last evaluated: 2022-01-06. Review status: criteria provided, single submitter. Criteria: Invitae Variant Classification Sherloc (09022015). Collection method: clinical testing. Allele origin: germline.
Comment: In summary, the available evidence is currently insufficient to determine the role of this variant in disease. Therefore, it has been classified as a Variant of Uncertain Significance. Studies have shown that this variant results in activation of a cryptic splice site and introduces a premature termination codon (Invitae). The resulting mRNA is expected to undergo nonsense-mediated decay. This variant has not been reported in the literature in individuals affected with MSH3-related conditions. This variant is not present in population databases (gnomAD no frequency). This sequence change falls in intron 16 of the MSH3 gene. It does not directly change the encoded amino acid sequence of the MSH3 protein. RNA analysis indicates that this variant induces altered splicing and may result in an absent or disrupted protein product.

NM_002439.5(MSH3):c.2319-804C>G

Gene: MSH3 (mutS homolog 3; plus strand). Cytogenetic location: 5q14.1.
Variant type: single nucleotide variant.
Coding change: c.2319-804C>G on transcript NM_002439.5 (MANE Select); 804 bases into the intron before coding-DNA position 2319, C replaced by G.
Molecular consequence: intron variant.
Genome position (GRCh38, 1-based): chr5:80,777,916, C>G. VCF-style: chr5-80777916-C-G. GRCh37 (hg19) VCF-style: chr5-80073735-C-G.
Identifiers: ClinVar variation 2076466 (VCV002076466.4), dbSNP rs2546779033, ClinGen allele CA2580073579.